The following is an entry in ClinVar:

ClinVar aggregate classification (germline): Benign (0 of 4 stars; one submission).

Conditions:
DENND4B-related disorder. Also called: DENND4B-related condition.

Allele frequency attached by ClinVar (database versions not stated): gnomAD 0.00372; ESP Exome Variant Server 0.01013; ExAC 0.02395; TOPMed 0.05870; 1000 Genomes Project 0.11022.

Submission:

PreventionGenetics, part of Exact Sciences
Classification: Benign for DENND4B-related condition. Last evaluated: 2020-03-13. Review status: no assertion criteria provided. Collection method: clinical testing. Allele origin: germline.
Comment: This variant is classified as benign based on ACMG/AMP sequence variant interpretation guidelines (Richards et al. 2015 PMID: 25741868, with internal and published modifications).

NM_014856.3(DENND4B):c.2703A>G (p.Gln901=)

Gene: DENND4B (DENN domain containing 4B; minus strand). Cytogenetic location: 1q21.3.
Variant type: single nucleotide variant.
Coding change: c.2703A>G on transcript NM_014856.3 (MANE Select); coding-DNA position 2703, A replaced by G.
Protein change: p.Gln901=; no amino-acid change (glutamine 901 retained).
Molecular consequence: synonymous variant.
Genome position (GRCh38, 1-based): chr1:153,934,830, T>C on the plus strand (A>G on the coding strand, the complement: DENND4B is on the minus strand). VCF-style: chr1-153934830-T-C. GRCh37 (hg19) VCF-style: chr1-153907306-T-C.
Other names: c.2736A>G, p.Gln912= (NM_001367466.1).
Identifiers: ClinVar variation 3037524 (VCV003037524.2), dbSNP rs2275483, ClinGen allele CA1121388.